The following is an entry in ClinVar:

ClinVar aggregate classification (germline): Uncertain significance (1 of 4 stars; one submission).

Conditions:
LAMA2-related disorder. Also called: LAMA2-related disorders; LAMA2-related condition.

gnomAD v4.1: 3 of 1,613,852 alleles (0.00019%); highest among the groups gnomAD compares: African/African-American, 0.0013%; no homozygotes.

Submission:

PreventionGenetics, part of Exact Sciences
Classification: Uncertain significance for LAMA2-related condition. Last evaluated: 2026-04-22. Review status: criteria provided, single submitter. Criteria: ACMG Guidelines, 2015. Collection method: clinical testing. Allele origin: germline.
Comment: The LAMA2 c.2036C>T variant is predicted to result in the amino acid substitution p.Ala679Val. To our knowledge, this variant has not been reported in the literature. This variant is reported in 0.0062% of alleles in individuals of African descent in gnomAD. At this time, the clinical significance of this variant is uncertain due to the absence of conclusive functional and genetic evidence.

NM_000426.4(LAMA2):c.2036C>T (p.Ala679Val)

Gene: LAMA2 (laminin subunit alpha 2; plus strand). Cytogenetic location: 6q22.33.
Variant type: single nucleotide variant.
Coding change: c.2036C>T on transcript NM_000426.4 (MANE Select); coding-DNA position 2036, C replaced by T.
Protein change: p.Ala679Val; replaces alanine 679 with valine.
Molecular consequence: missense variant.
Genome position (GRCh38, 1-based): chr6:129,252,235, C>T. VCF-style: chr6-129252235-C-T. GRCh37 (hg19) VCF-style: chr6-129573380-C-T.
Other names: c.2036C>T, p.Ala679Val (NM_001079823.2); short protein forms A679V.
Identifiers: ClinVar variation 4988431 (VCV004988431.1).